The following is an entry in ClinVar:

NM_000687.4(AHCY):c.202G>A (p.Val68Ile)

Gene: AHCY (adenosylhomocysteinase; minus strand). Cytogenetic location: 20q11.22.
Variant type: single nucleotide variant.
Coding change: c.202G>A on transcript NM_000687.4 (MANE Select); coding-DNA position 202, G replaced by A.
Protein change: p.Val68Ile; replaces valine 68 with isoleucine.
Molecular consequence: missense variant.
Genome position (GRCh38, 1-based): chr20:34,295,412, C>T on the plus strand (G>A on the coding strand, the complement: AHCY is on the minus strand). VCF-style: chr20-34295412-C-T. GRCh37 (hg19) VCF-style: chr20-32883218-C-T.
Other names: c.118G>A, p.Val40Ile (NM_001161766.2, NM_001322084.2, NM_001322085.2); c.208G>A, p.Val70Ile (NM_001322086.2); c.202G>A, p.Val68Ile (NM_001362750.2); short protein forms V68I, V40I, V70I.
Identifiers: ClinVar variation 2150243 (VCV002150243.2), dbSNP rs199533546, ClinGen allele CA9821116.

ClinVar aggregate classification (germline): Uncertain significance (1 of 4 stars; one submission).

Conditions:
Hypermethioninemia with deficiency of S-adenosylhomocysteine hydrolase. Identifiers: Orphanet 88618, MedGen C3151058, MONDO:0013404, OMIM 613752.

Allele frequency attached by ClinVar (database versions not stated): ExAC 0.00002; gnomAD 0.00003; TOPMed 0.00004; 1000 Genomes Project 30x 0.00031; 1000 Genomes Project 0.00040.
gnomAD v4.1: 18 of 1,613,976 alleles (0.0011%); highest among the groups gnomAD compares: East Asian, 0.0067%; no homozygotes.

Submission:

Labcorp Genetics (formerly Invitae), Labcorp
Classification: Uncertain significance for Hypermethioninemia with deficiency of S-adenosylhomocysteine hydrolase. Last evaluated: 2022-04-12. Review status: criteria provided, single submitter. Criteria: Invitae Variant Classification Sherloc (09022015). Collection method: clinical testing. Allele origin: germline.
Comment: This sequence change replaces valine, which is neutral and non-polar, with isoleucine, which is neutral and non-polar, at codon 68 of the AHCY protein (p.Val68Ile). This variant is present in population databases (rs199533546, gnomAD 0.01%). This variant has not been reported in the literature in individuals affected with AHCY-related conditions. Algorithms developed to predict the effect of missense changes on protein structure and function output the following: SIFT: "Not Available"; PolyPhen-2: "Benign"; Align-GVGD: "Not Available". The isoleucine amino acid residue is found in multiple mammalian species, which suggests that this missense change does not adversely affect protein function. In summary, the available evidence is currently insufficient to determine the role of this variant in disease. Therefore, it has been classified as a Variant of Uncertain Significance.